The following is an entry in ClinVar:

ClinVar aggregate classification (germline): Pathogenic (1 of 4 stars; one submission).

Submission:

Labcorp Genetics (formerly Invitae), Labcorp
Classification: Pathogenic. Last evaluated: 2024-10-15. Review status: criteria provided, single submitter. Criteria: Invitae Variant Classification Sherloc (09022015). Collection method: clinical testing. Allele origin: germline.
Comment: This sequence change creates a premature translational stop signal (p.Gln109*) in the CEACAM16 gene. It is expected to result in an absent or disrupted protein product. Loss-of-function variants in CEACAM16 are known to be pathogenic (PMID: 29703829, 30514912). This variant is not present in population databases (gnomAD no frequency). This variant has not been reported in the literature in individuals affected with CEACAM16-related conditions. For these reasons, this variant has been classified as Pathogenic.

Literature cited by the submitters: PubMed 29703829; PubMed 30514912.

NM_001039213.4(CEACAM16):c.325C>T (p.Gln109Ter)

Genes: CEACAM16 (CEA cell adhesion molecule 16, tectorial membrane component; plus strand), CEACAM16-AS1 (CEACAM16, CEACAM19 and PVR antisense RNA 1; minus strand). Cytogenetic location: 19q13.32.
Variant type: single nucleotide variant.
Coding change: c.325C>T on transcript NM_001039213.4 (MANE Select); coding-DNA position 325, C replaced by T.
Protein change: p.Gln109Ter; replaces glutamine 109 with a stop codon.
Molecular consequence: nonsense.
Genome position (GRCh38, 1-based): chr19:44,703,636, C>T. VCF-style: chr19-44703636-C-T. GRCh37 (hg19) VCF-style: chr19-45206906-C-T.
Other names: short protein forms Q109*.
Identifiers: ClinVar variation 3717767 (VCV003717767.2).